The following is an entry in ClinVar:

ClinVar aggregate classification (germline): Uncertain significance. Review status: criteria provided, multiple submitters, no conflicts (2 of 4 stars). 2 submissions from 2 submitters: Uncertain significance (2). Last evaluated 2024-08-14.

Conditions:
Inborn genetic diseases. Identifiers: MedGen C0950123, MeSH D030342.

Submissions (2):

Ambry Genetics
Classification: Uncertain significance for Inborn genetic diseases. Last evaluated: 2024-08-14. Review status: criteria provided, single submitter. Criteria: Ambry Variant Classification Scheme 2023. Collection method: clinical testing. Allele origin: germline.

GeneDx
Classification: Uncertain significance. Last evaluated: 2017-09-20. Review status: criteria provided, single submitter. Criteria: GeneDx Variant Classification (06012015). Collection method: clinical testing. Allele origin: germline. Affected: yes.
Comment: A variant of uncertain significance has been identified in the POLG gene. The V901M variant has not been published as a pathogenic variant, nor has it been reported as a benign variant to our knowledge. The V901M variant is not observed in large population cohorts (Lek et al., 2016). The V901M variant is a conservative amino acid substitution, which is not likely to impact secondary protein structure as these residues share similar properties. This substitution occurs at a position where amino acids with similar properties to Valine are tolerated across species. However, in silico analysis is inconsistent in its predictions as to whether or not the variant is damaging to the protein structure/function. Therefore, based on the currently available information, it is unclear whether this variant is a pathogenic variant or a rare benign variant.

NM_002693.3(POLG):c.2701G>A (p.Val901Met)

Gene: POLG (DNA polymerase gamma, catalytic subunit; minus strand). Cytogenetic location: 15q26.1.
Variant type: single nucleotide variant.
Coding change: c.2701G>A on transcript NM_002693.3 (MANE Select); coding-DNA position 2701, G replaced by A.
Protein change: p.Val901Met; replaces valine 901 with methionine.
Molecular consequence: missense variant.
Genome position (GRCh38, 1-based): chr15:89,321,158, C>T on the plus strand (G>A on the coding strand, the complement: POLG is on the minus strand). VCF-style: chr15-89321158-C-T. GRCh37 (hg19) VCF-style: chr15-89864389-C-T.
Other names: c.2701G>A, p.Val901Met (NM_001126131.2); short protein forms V901M.
Identifiers: ClinVar variation 452303 (VCV000452303.3), dbSNP rs1555452825, ClinGen allele CA393753575.